The following is an entry in ClinVar:

NM_001418.4(EIF4G2):c.115C>T (p.Leu39=)

Gene: EIF4G2 (eukaryotic translation initiation factor 4 gamma 2; minus strand). Cytogenetic location: 11p15.4.
Variant type: single nucleotide variant.
Coding change: c.115C>T on transcript NM_001418.4 (MANE Select); coding-DNA position 115, C replaced by T.
Protein change: p.Leu39=; no amino-acid change (leucine 39 retained).
Molecular consequence: synonymous variant.
Genome position (GRCh38, 1-based): chr11:10,806,040, G>A on the plus strand (C>T on the coding strand, the complement: EIF4G2 is on the minus strand). VCF-style: chr11-10806040-G-A. GRCh37 (hg19) VCF-style: chr11-10827587-G-A.
Other names: c.115C>T, p.Leu39= (NM_001042559.3, NM_001172705.1).
Identifiers: ClinVar variation 1879200 (VCV001879200.29), dbSNP rs2539433653, ClinGen allele CA473104398.

ClinVar aggregate classification (germline): Uncertain significance (1 of 4 stars; one submission).

Submission:

CeGaT Center for Human Genetics Tuebingen
Classification: Uncertain significance. Last evaluated: 2022-10-01. Review status: criteria provided, single submitter. Criteria: CeGaT Center For Human Genetics Tuebingen Variant Classification Criteria Version 2. Collection method: clinical testing. Allele origin: germline. Affected: yes. Observed: 1 variant allele.
Comment: EIF4G2: PM2:Supporting, PS2:Supporting